The following is an entry in ClinVar:

NM_000179.3(MSH6):c.1384C>T (p.Pro462Ser)

Gene: MSH6 (mutS homolog 6; plus strand). Cytogenetic location: 2p16.3.
Variant type: single nucleotide variant.
Coding change: c.1384C>T on transcript NM_000179.3 (MANE Select); coding-DNA position 1384, C replaced by T.
Protein change: p.Pro462Ser; replaces proline 462 with serine.
Molecular consequence: missense variant. On other transcripts: non-coding transcript variant (4), intron variant (1).
Genome position (GRCh38, 1-based): chr2:47,799,367, C>T. VCF-style: chr2-47799367-C-T. GRCh37 (hg19) VCF-style: chr2-48026506-C-T.
Other names: c.478C>T, p.Pro160Ser (NM_001406829.1, NM_001406823.1, NM_001406811.1 and 6 more transcripts); c.1087C>T, p.Pro363Ser (NM_001406830.1, NM_001406819.1, NM_001406820.1 and 10 more transcripts); c.628-1299C>T (NM_001407362.1); c.1216C>T, p.Pro406Ser (NM_001406826.1); c.1390C>T, p.Pro464Ser (NM_001406813.1); c.1384C>T, p.Pro462Ser (NM_001406817.1, NM_001406796.1, NM_001406798.1 and 4 more transcripts); c.994C>T, p.Pro332Ser (NM_001281492.2); c.1480C>T, p.Pro494Ser (NM_001406795.1, NM_001406802.1); and 2 more; short protein forms P287S, P406S, P332S, P160S, P363S, P436S, P462S, P464S.
Identifiers: ClinVar variation 3633927 (VCV003633927.4).

ClinVar aggregate classification (germline): Uncertain significance. Review status: criteria provided, multiple submitters, no conflicts (2 of 4 stars). 2 submissions from 2 submitters: Uncertain significance (2). Last evaluated 2026-08-13.

Conditions:
Hereditary cancer-predisposing syndrome. Also called: Hereditary neoplastic syndrome; Neoplastic Syndromes, Hereditary; Tumor predisposition; Hereditary Cancer Syndrome. Identifiers: Orphanet 140162, MedGen C0027672, MeSH D009386, MONDO:0015356.
Hereditary nonpolyposis colorectal neoplasms. Identifiers: MedGen C0009405, MeSH D003123.

gnomAD v4.1: 1 of 1,614,058 alleles (0.000062%); highest among the groups gnomAD compares: South Asian, 0.0011%; no homozygotes.

Submissions (2):

Ambry Genetics
Classification: Uncertain significance for Hereditary cancer-predisposing syndrome. Last evaluated: 2026-08-13. Review status: criteria provided, single submitter. Criteria: Ambry Variant Classification Scheme 2023. Collection method: clinical testing. Allele origin: germline.
Comment: The p.P462S variant (also known as c.1384C>T), located in coding exon 4 of the MSH6 gene, results from a C to T substitution at nucleotide position 1384. The proline at codon 462 is replaced by serine, an amino acid with similar properties. This amino acid position is highly conserved in available vertebrate species. In addition, this alteration is predicted to be deleterious by in silico analysis. Based on the available evidence, the clinical significance of this variant remains unclear.

Labcorp Genetics (formerly Invitae), Labcorp
Classification: Uncertain significance for Hereditary nonpolyposis colorectal neoplasms. Last evaluated: 2024-03-09. Review status: criteria provided, single submitter. Criteria: Invitae Variant Classification Sherloc (09022015). Collection method: clinical testing. Allele origin: germline.
Comment: This sequence change replaces proline, which is neutral and non-polar, with serine, which is neutral and polar, at codon 462 of the MSH6 protein (p.Pro462Ser). This variant is present in population databases (no rsID available, gnomAD 0.003%). This variant has not been reported in the literature in individuals affected with MSH6-related conditions. Advanced modeling of protein sequence and biophysical properties (such as structural, functional, and spatial information, amino acid conservation, physicochemical variation, residue mobility, and thermodynamic stability) performed at Invitae indicates that this missense variant is expected to disrupt MSH6 protein function with a positive predictive value of 80%. In summary, the available evidence is currently insufficient to determine the role of this variant in disease. Therefore, it has been classified as a Variant of Uncertain Significance.